The following is an entry in ClinVar:

NM_178170.3(NEK8):c.1745G>C (p.Cys582Ser)

Gene: NEK8 (NIMA related kinase 8; plus strand). Cytogenetic location: 17q11.2.
Variant type: single nucleotide variant.
Coding change: c.1745G>C on transcript NM_178170.3 (MANE Select); coding-DNA position 1745, G replaced by C.
Protein change: p.Cys582Ser; replaces cysteine 582 with serine.
Molecular consequence: missense variant.
Genome position (GRCh38, 1-based): chr17:28,741,090, G>C. VCF-style: chr17-28741090-G-C. GRCh37 (hg19) VCF-style: chr17-27068108-G-C.
Other names: short protein forms C582S.
Identifiers: ClinVar variation 3623960 (VCV003623960.2).

ClinVar aggregate classification (germline): Uncertain significance (1 of 4 stars; one submission).

Conditions:
Nephronophthisis 9 (NPHP9). Identifiers: Orphanet 655, MedGen C3151188, MONDO:0013444, OMIM 613824.

gnomAD v4.1: 3 of 1,614,082 alleles (0.00019%); highest among the groups gnomAD compares: Non-Finnish European, 0.00025%; no homozygotes.

Submission:

Labcorp Genetics (formerly Invitae), Labcorp
Classification: Uncertain significance for Nephronophthisis 9. Last evaluated: 2024-12-10. Review status: criteria provided, single submitter. Criteria: Invitae Variant Classification Sherloc (09022015). Collection method: clinical testing. Allele origin: germline.
Comment: This sequence change replaces cysteine, which is neutral and slightly polar, with serine, which is neutral and polar, at codon 582 of the NEK8 protein (p.Cys582Ser). This variant is not present in population databases (gnomAD no frequency). This variant has not been reported in the literature in individuals affected with NEK8-related conditions. An algorithm developed to predict the effect of missense changes on protein structure and function (PolyPhen-2) suggests that this variant is likely to be disruptive. In summary, the available evidence is currently insufficient to determine the role of this variant in disease. Therefore, it has been classified as a Variant of Uncertain Significance.